The following is an entry in ClinVar:

NM_000271.5(NPC1):c.3592G>A (p.Val1198Met)

Gene: NPC1 (NPC intracellular cholesterol transporter 1; minus strand). Cytogenetic location: 18q11.2.
Variant type: single nucleotide variant.
Coding change: c.3592G>A on transcript NM_000271.5 (MANE Select); coding-DNA position 3592, G replaced by A.
Protein change: p.Val1198Met; replaces valine 1198 with methionine.
Molecular consequence: missense variant.
Genome position (GRCh38, 1-based): chr18:23,533,517, C>T on the plus strand (G>A on the coding strand, the complement: NPC1 is on the minus strand). VCF-style: chr18-23533517-C-T. GRCh37 (hg19) VCF-style: chr18-21113481-C-T.
Other names: short protein forms V1198M.
Identifiers: ClinVar variation 3239460 (VCV003239460.19), dbSNP rs2511177352.

ClinVar aggregate classification (germline): Uncertain significance (1 of 4 stars; one submission).

Submission:

CeGaT Center for Human Genetics Tuebingen
Classification: Uncertain significance. Last evaluated: 2024-05-01. Review status: criteria provided, single submitter. Criteria: CeGaT Center For Human Genetics Tuebingen Variant Classification Criteria Version 2. Collection method: clinical testing. Allele origin: germline. Affected: yes. Observed: 1 variant allele.
Comment: NPC1: PM2, PP3